The following is an entry in ClinVar:

NM_002242.4(KCNJ13):c.774G>C (p.Gln258His)

Genes: GIGYF2 (GRB10 interacting GYF protein 2; plus strand), KCNJ13 (potassium inwardly rectifying channel subfamily J member 13; minus strand). Cytogenetic location: 2q37.1.
Variant type: single nucleotide variant.
Coding change: c.774G>C on transcript NM_002242.4 (MANE Select); coding-DNA position 774, G replaced by C.
Protein change: p.Gln258His; replaces glutamine 258 with histidine.
Molecular consequence: missense variant. On other transcripts: 3 prime UTR variant (1), intron variant (4).
Genome position (GRCh38, 1-based): chr2:232,768,500, C>G on the plus strand (G>C on the coding strand, the complement: KCNJ13 is on the minus strand). VCF-style: chr2-232768500-C-G. GRCh37 (hg19) VCF-style: chr2-233633210-C-G.
Other names: c.*253G>C (NM_001172416.1); c.534G>C, p.Gln178His (NM_001172417.1); c.532+7064C>G (NM_001103146.3, NM_015575.4, NM_001103147.2 and 1 more transcripts); short protein forms Q258H, Q178H.
Identifiers: ClinVar variation 1495910 (VCV001495910.6), dbSNP rs1051985295, ClinGen allele CA66988136.

ClinVar aggregate classification (germline): Uncertain significance (1 of 4 stars; one submission).

Allele frequency attached by ClinVar (database versions not stated): gnomAD 0.00001; gnomAD exomes 0.00001; TOPMed 0.00001.
gnomAD v4.1: 19 of 1,614,036 alleles (0.0012%); highest among the groups gnomAD compares: Non-Finnish European, 0.0015%; no homozygotes.

Submission:

Labcorp Genetics (formerly Invitae), Labcorp
Classification: Uncertain significance. Last evaluated: 2025-04-11. Review status: criteria provided, single submitter. Criteria: Invitae Variant Classification Sherloc (09022015). Collection method: clinical testing. Allele origin: germline.
Comment: This sequence change replaces glutamine, which is neutral and polar, with histidine, which is basic and polar, at codon 258 of the KCNJ13 protein (p.Gln258His). This variant is present in population databases (no rsID available, gnomAD 0.0009%). This variant has not been reported in the literature in individuals affected with KCNJ13-related conditions. ClinVar contains an entry for this variant (Variation ID: 1495910). Invitae Evidence Modeling of protein sequence and biophysical properties (such as structural, functional, and spatial information, amino acid conservation, physicochemical variation, residue mobility, and thermodynamic stability) indicates that this missense variant is not expected to disrupt KCNJ13 protein function with a negative predictive value of 80%. In summary, the available evidence is currently insufficient to determine the role of this variant in disease. Therefore, it has been classified as a Variant of Uncertain Significance.